The following is an entry in ClinVar:

NM_001130009.3(GEN1):c.200A>T (p.Asp67Val)

Gene: GEN1 (GEN1 structure-specific endonuclease; plus strand). Cytogenetic location: 2p24.2.
Variant type: single nucleotide variant.
Coding change: c.200A>T on transcript NM_001130009.3 (MANE Select); coding-DNA position 200, A replaced by T.
Protein change: p.Asp67Val; replaces aspartic acid 67 with valine.
Molecular consequence: missense variant.
Genome position (GRCh38, 1-based): chr2:17,761,434, A>T. VCF-style: chr2-17761434-A-T. GRCh37 (hg19) VCF-style: chr2-17942701-A-T.
Other names: c.200A>T, p.Asp67Val (NM_182625.5); short protein forms D67V.
Identifiers: ClinVar variation 958544 (VCV000958544.9), dbSNP rs775720967, ClinGen allele CA345906302.

ClinVar aggregate classification (germline): Uncertain significance (1 of 4 stars; one submission).

Submission:

Labcorp Genetics (formerly Invitae), Labcorp
Classification: Uncertain significance. Last evaluated: 2019-07-23. Review status: criteria provided, single submitter. Criteria: Invitae Variant Classification Sherloc (09022015). Collection method: clinical testing. Allele origin: germline.
Comment: This sequence change replaces aspartic acid with valine at codon 67 of the GEN1 protein (p.Asp67Val). The aspartic acid residue is weakly conserved and there is a large physicochemical difference between aspartic acid and valine. This variant is not present in population databases (ExAC no frequency). This variant has not been reported in the literature in individuals with GEN1-related conditions. Algorithms developed to predict the effect of missense changes on protein structure and function are either unavailable or do not agree on the potential impact of this missense change (SIFT: "Deleterious"; PolyPhen-2: "Possibly Damaging"; Align-GVGD: "Class C0"). In summary, the available evidence is currently insufficient to determine the role of this variant in disease. Therefore, it has been classified as a Variant of Uncertain Significance.